The following is an entry in ClinVar:

ClinVar aggregate classification (germline): Uncertain significance. Review status: criteria provided, single submitter (1 of 4 stars). 2 submissions from 2 submitters: Uncertain significance (1). 1 of the submissions does not count toward it. Last evaluated 2023-05-15.

Conditions:
Retinal dystrophy. Also called: Inherited retinal dystrophy. Identifiers: Orphanet 71862, MedGen C0854723, MeSH D058499, MONDO:0019118, HP:0000556.

Allele frequency attached by ClinVar (database versions not stated): gnomAD exomes 0.00001; TOPMed 0.00001; gnomAD 0.00002.
gnomAD v4.1: 14 of 1,613,922 alleles (0.00087%); highest among the groups gnomAD compares: East Asian, 0.0067%; no homozygotes.

Submissions (2):

Labcorp Genetics (formerly Invitae), Labcorp
Classification: Uncertain significance. Last evaluated: 2023-05-15. Review status: criteria provided, single submitter. Criteria: Invitae Variant Classification Sherloc (09022015). Collection method: clinical testing. Allele origin: germline.
Comment: This sequence change replaces threonine, which is neutral and polar, with alanine, which is neutral and non-polar, at codon 391 of the CNGA1 protein (p.Thr391Ala). This variant is present in population databases (no rsID available, gnomAD 0.01%). This variant has not been reported in the literature in individuals affected with CNGA1-related conditions. ClinVar contains an entry for this variant (Variation ID: 1984752). Advanced modeling of protein sequence and biophysical properties (such as structural, functional, and spatial information, amino acid conservation, physicochemical variation, residue mobility, and thermodynamic stability) performed at Invitae indicates that this missense variant is not expected to disrupt CNGA1 protein function. In summary, the available evidence is currently insufficient to determine the role of this variant in disease. Therefore, it has been classified as a Variant of Uncertain Significance.

Institute of Human Genetics, Univ. Regensburg, Univ. Regensburg
Classification: Uncertain significance for Retinal dystrophy. Last evaluated: 2019-01-01. Review status: no assertion criteria provided. Criteria: ACMG Guidelines, 2015. Collection method: clinical testing. Allele origin: germline. Affected: yes. Not counted in ClinVar's aggregate classification.

NM_001379270.1(CNGA1):c.1159A>G (p.Thr387Ala)

Genes: CNGA1 (cyclic nucleotide gated channel subunit alpha 1; minus strand), LOC101927157 (uncharacterized LOC101927157; plus strand). Cytogenetic location: 4p12.
Variant type: single nucleotide variant.
Coding change: c.1159A>G on transcript NM_001379270.1 (MANE Select); coding-DNA position 1159, A replaced by G.
Protein change: p.Thr387Ala; replaces threonine 387 with alanine.
Molecular consequence: missense variant.
Genome position (GRCh38, 1-based): chr4:47,937,323, T>C on the plus strand (A>G on the coding strand, the complement: CNGA1 is on the minus strand). VCF-style: chr4-47937323-T-C. GRCh37 (hg19) VCF-style: chr4-47939340-T-C.
Other names: c.1159A>G, p.Thr387Ala (NM_000087.5, NM_001142564.2); short protein forms T387A.
Identifiers: ClinVar variation 1984752 (VCV001984752.5), dbSNP rs1249722048, ClinGen allele CA356826852.
Genomic context (GRCh38, chr4:47,937,323, plus strand): 5'-GAAATTCTGCTCTGGCTGCATTCATGTTGGAAATCATAGAACCTATGTTACCAACGATGG[T>C]AGCAAAAATTAACACTCCAATTAGGAAATCAACCACCACAAAGACATACTCAGAATCCCT-3'
Protein context (NP_001366199.1, residues 377-397): DFLIGVLIFA[Thr387Ala]IVGNIGSMIS